The following is an entry in ClinVar:

NM_000070.3(CAPN3):c.2259C>T (p.Asp753=)

Gene: CAPN3 (calpain 3; plus strand). Cytogenetic location: 15q15.1.
Variant type: single nucleotide variant.
Coding change: c.2259C>T on transcript NM_000070.3 (MANE Select); coding-DNA position 2259, C replaced by T.
Protein change: p.Asp753=; no amino-acid change (aspartic acid 753 retained).
Molecular consequence: synonymous variant.
Genome position (GRCh38, 1-based): chr15:42,410,662, C>T. VCF-style: chr15-42410662-C-T. GRCh37 (hg19) VCF-style: chr15-42702860-C-T.
Other names: c.2241C>T, p.Asp747= (NM_024344.2); c.1983C>T, p.Asp661= (NM_173087.2); c.723C>T, p.Asp241= (NM_173088.2); c.264C>T, p.Asp88= (NM_173089.2, NM_173090.2).
Identifiers: ClinVar variation 990251 (VCV000990251.29), dbSNP rs755010088, ClinGen allele CA7511785.
Genomic context (GRCh38, chr15:42,410,662, plus strand): 5'-CTATGACACAGACCAGTCCGGCACCATCAACAGCTACGAGATGCGAAATGCAGTCAACGA[C>T]GCAGGTGCTGAGAAGGAAGGGGTGGCAGGGATGTGGACCCGAGACGGTGGGAGCAGGAAT-3'
Protein context (NP_000061.1, residues 743-763): NSYEMRNAVN[Asp753=]AGFHLNNQLY

ClinVar aggregate classification (germline): Likely benign. Review status: criteria provided, multiple submitters, no conflicts (2 of 4 stars). 4 submissions from 4 submitters: Likely benign (3). 1 of the submissions does not count toward it. Last evaluated 2024-06-01.

Conditions:
Autosomal recessive limb-girdle muscular dystrophy type 2A (LGMDR1). Also called: Limb-girdle muscular dystrophy, type 2A; Calpainopathy; Muscular dystrophy, limb-girdle, type 2A, Amish; LEYDEN-MOEBIUS MUSCULAR DYSTROPHY; MUSCULAR DYSTROPHY, PELVOFEMORAL. Identifiers: Orphanet 267, MedGen C1869123, MONDO:0009675, OMIM 253600. Disease mechanism: loss of function.

Allele frequency attached by ClinVar (database versions not stated): TOPMed below 0.00001; gnomAD 0.00001; ExAC 0.00003; gnomAD exomes 0.00003.
gnomAD v4.1: 43 of 1,612,796 alleles (0.0027%); highest among the groups gnomAD compares: Non-Finnish European, 0.0031%; no homozygotes.

Submissions (4):

CeGaT Center for Human Genetics Tuebingen
Classification: Likely benign. Last evaluated: 2024-06-01. Review status: criteria provided, single submitter. Criteria: CeGaT Center For Human Genetics Tuebingen Variant Classification Criteria Version 2. Collection method: clinical testing. Allele origin: germline. Affected: yes. Observed: 1 variant allele.
Comment: CAPN3: BP4, BP7

Labcorp Genetics (formerly Invitae), Labcorp
Classification: Likely benign for Autosomal recessive limb-girdle muscular dystrophy type 2A. Last evaluated: 2023-10-08. Review status: criteria provided, single submitter. Criteria: Invitae Variant Classification Sherloc (09022015). Collection method: clinical testing. Allele origin: germline.

Blueprint Genetics
Classification: Likely benign. Last evaluated: 2022-04-19. Review status: criteria provided, single submitter. Criteria: ACMG Guidelines, 2015. Collection method: clinical testing. Allele origin: germline.

Natera, Inc.
Classification: Uncertain significance for Limb-girdle muscular dystrophy type 2A. Last evaluated: 2020-08-14. Review status: no assertion criteria provided. Collection method: clinical testing. Allele origin: germline. Not counted in ClinVar's aggregate classification.